The following is an entry in ClinVar:

NM_000338.3(SLC12A1):c.2873T>C (p.Val958Ala)

Gene: SLC12A1 (solute carrier family 12 member 1; plus strand). Cytogenetic location: 15q21.1.
Variant type: single nucleotide variant.
Coding change: c.2873T>C on transcript NM_000338.3 (MANE Select); coding-DNA position 2873, T replaced by C.
Protein change: p.Val958Ala; replaces valine 958 with alanine.
Molecular consequence: missense variant.
Genome position (GRCh38, 1-based): chr15:48,288,516, T>C. VCF-style: chr15-48288516-T-C. GRCh37 (hg19) VCF-style: chr15-48580713-T-C.
Other names: c.2873T>C, p.Val958Ala (NM_001184832.2); short protein forms V958A.
Identifiers: ClinVar variation 255874 (VCV000255874.29), dbSNP rs1552311, ClinGen allele CA7547535.

ClinVar aggregate classification (germline): Benign/Likely benign. Review status: criteria provided, multiple submitters, no conflicts (2 of 4 stars). 12 submissions from 12 submitters: Benign (7); Likely benign (2). 3 of the submissions do not count toward it. Last evaluated 2026-02-04.

Conditions:
Bartter disease type 1. Also called: Bartter syndrome, type 1, antenatal; Bartter Syndrome type 1; HYPERPROSTAGLANDIN E SYNDROME 1; HYPOKALEMIC ALKALOSIS WITH HYPERCALCIURIA 1, ANTENATAL. Identifiers: Orphanet 112, Orphanet 620217, MedGen C1866495, MONDO:0100344, OMIM 601678, MONDO:0011127.

Allele frequency attached by ClinVar (database versions not stated): TOPMed 0.99720; gnomAD 0.99732 and 0.99751; ESP Exome Variant Server 0.99744; 1000 Genomes Project 0.99780; 1000 Genomes Project 30x 0.99781; ExAC 0.99924; gnomAD exomes 0.99943 and 0.99976.
gnomAD v4.1: 1,431,863 of 1,432,578 alleles (100%); highest among the groups gnomAD compares: Middle Eastern, 100%; 715,576 homozygotes.

Submissions (12):

Labcorp Genetics (formerly Invitae), Labcorp
Classification: Benign. Last evaluated: 2026-02-04. Review status: criteria provided, single submitter. Criteria: Invitae Variant Classification Sherloc (09022015). Collection method: clinical testing. Allele origin: germline.

Blueprint Genetics
Classification: Benign. Last evaluated: 2024-11-27. Review status: criteria provided, single submitter. Criteria: ACMG Guidelines, 2015. Collection method: clinical testing. Allele origin: germline.

Genome-Nilou Lab
Classification: Benign for Bartter disease type 1. Last evaluated: 2021-07-15. Review status: criteria provided, single submitter. Criteria: ACMG Guidelines, 2015. Collection method: clinical testing. Allele origin: germline. Affected: no.

Athena Diagnostics
Classification: Benign. Last evaluated: 2021-06-04. Review status: criteria provided, single submitter. Criteria: Athena Diagnostics criteria. Collection method: clinical testing. Allele origin: unknown.

GeneDx
Classification: Benign. Last evaluated: 2019-11-27. Review status: criteria provided, single submitter. Criteria: GeneDx Variant Classification Process June 2021. Collection method: clinical testing. Allele origin: germline. Affected: yes.

Illumina Laboratory Services, Illumina
Classification: Benign for Bartter disease type 1. Last evaluated: 2018-01-12. Review status: criteria provided, single submitter. Criteria: ICSL Variant Classification Criteria 13 December 2019. Collection method: clinical testing. Allele origin: germline.
Comment: This variant was observed in the ICSL laboratory as part of a predisposition screen in an ostensibly healthy population. It had not been previously curated by ICSL or reported in the Human Gene Mutation Database (HGMD: prior to June 1st, 2018), and was therefore a candidate for classification through an automated scoring system. Utilizing variant allele frequency, disease prevalence and penetrance estimates, and inheritance mode, an automated score was calculated to assess if this variant is too frequent to cause the disease. Based on the score and internal cut-off values, a variant classified as benign is not then subjected to further curation. The score for this variant resulted in a classification of benign for this disease.

Laboratory for Molecular Medicine, Mass General Brigham Personalized Medicine
Classification: Likely benign. Last evaluated: 2016-02-02. Review status: criteria provided, single submitter. Criteria: LMM Criteria. Collection method: clinical testing. Allele origin: germline. Observed: 1 variant allele.
Comment: This is a RefSeq error. The reference base (c.2873T) is the minor allele. This a llele (T) has been identified in 0.62% (21/3400) of African chromosomes by the E xome Aggregation Consortium (ExAC; dbSNP rs15523 11) and thus meets criteria to be classified as likely benign.

Breakthrough Genomics
Classification: Likely benign. Review status: criteria provided, single submitter. Criteria: ACMG Guidelines, 2015. Collection method: not provided. Allele origin: germline. Inheritance: Autosomal recessive inheritance. Affected: yes.

PreventionGenetics, part of Exact Sciences
Classification: Benign. Review status: criteria provided, single submitter. Criteria: ACMG Guidelines, 2015. Collection method: clinical testing. Allele origin: germline.

Diagnostic Laboratory, Department of Genetics, University Medical Center Groningen
Classification: Benign. Review status: no assertion criteria provided. Collection method: clinical testing. Allele origin: germline. Affected: yes. Study: VKGL Data-share Consensus. Not counted in ClinVar's aggregate classification.

Genome Diagnostics Laboratory, University Medical Center Utrecht
Classification: Benign. Review status: no assertion criteria provided. Collection method: clinical testing. Allele origin: germline. Affected: yes. Study: VKGL Data-share Consensus. Not counted in ClinVar's aggregate classification.

Joint Genome Diagnostic Labs from Nijmegen and Maastricht, Radboudumc and MUMC+
Classification: Benign. Review status: no assertion criteria provided. Collection method: clinical testing. Allele origin: germline. Affected: yes. Study: VKGL Data-share Consensus. Not counted in ClinVar's aggregate classification.